The following is an entry in ClinVar:

NM_001065.4(TNFRSF1A):c.243C>T (p.Cys81=)

Gene: TNFRSF1A (TNF receptor superfamily member 1A; minus strand). Cytogenetic location: 12p13.31.
Variant type: single nucleotide variant.
Coding change: c.243C>T on transcript NM_001065.4 (MANE Select); coding-DNA position 243, C replaced by T.
Protein change: p.Cys81=; no amino-acid change (cysteine 81 retained).
Molecular consequence: synonymous variant. On other transcripts: 5 prime UTR variant (2), non-coding transcript variant (1).
Genome position (GRCh38, 1-based): chr12:6,333,816, G>A on the plus strand (C>T on the coding strand, the complement: TNFRSF1A is on the minus strand). VCF-style: chr12-6333816-G-A. GRCh37 (hg19) VCF-style: chr12-6442982-G-A.
Other names: c.-82C>T (NM_001346091.2); c.-335C>T (NM_001346092.2).
Identifiers: ClinVar variation 1668409 (VCV001668409.37), dbSNP rs56002980, ClinGen allele CA232330522.
Genomic context (GRCh38, chr12:6,333,816, plus strand): 5'-GCTGAGGCAGTGTCTGAGGTGGTTTTCTGAAGCGGTGAAGGAGCCGCTCTCACACTCCCT[G>A]CAGTCCGTATCCTGCCCCGGGCCTGGACAGTCATTGTACAAGTAGGTTCCTGTGAATGGG-3'
Protein context (NP_001056.1, residues 71-91): DCPGPGQDTD[Cys81=]RECESGSFTA

ClinVar aggregate classification (germline): Likely benign. Review status: criteria provided, multiple submitters, no conflicts (2 of 4 stars). 2 submissions from 2 submitters: Likely benign (2). Last evaluated 2022-12-07.

Conditions:
TNF receptor-associated periodic fever syndrome (TRAPS) (FPF). Also called: TNF Receptor-Associated Periodic Fever Syndrome; Autosomal Dominant Familial Periodic Fever; FAMILIAL HIBERNIAN FEVER; TNF RECEPTOR-ASSOCIATED PERIODIC SYNDROME; TUMOR NECROSIS FACTOR RECEPTOR-ASSOCIATED PERIODIC SYNDROME; TNF receptor 1-associated periodic fever syndrome. Identifiers: Orphanet 32960, MedGen C1275126, MONDO:0007727, OMIM 142680.

Allele frequency attached by ClinVar (database versions not stated): TOPMed 0.00001; gnomAD 0.00002; gnomAD exomes 0.00002.

Submissions (2):

Labcorp Genetics (formerly Invitae), Labcorp
Classification: Likely benign for TNF receptor-associated periodic fever syndrome (TRAPS). Last evaluated: 2022-12-07. Review status: criteria provided, single submitter. Criteria: Invitae Variant Classification Sherloc (09022015). Collection method: clinical testing. Allele origin: germline.

CeGaT Center for Human Genetics Tuebingen
Classification: Likely benign. Last evaluated: 2022-09-01. Review status: criteria provided, single submitter. Criteria: CeGaT Center For Human Genetics Tuebingen Variant Classification Criteria Version 2. Collection method: clinical testing. Allele origin: germline. Affected: yes. Observed: 1 variant allele.
Comment: TNFRSF1A: BP4, BP7